The following is an entry in ClinVar:

NM_001369.3(DNAH5):c.966del (p.Lys322fs)

Gene: DNAH5 (dynein axonemal heavy chain 5; minus strand). Cytogenetic location: 5p15.2.
Variant type: Deletion.
Coding change: c.966del on transcript NM_001369.3 (MANE Select); coding-DNA position 966, one base deleted (A; older notation c.966delA).
Protein change: p.Lys322fs; shifts the reading frame from lysine 322.
Molecular consequence: frameshift variant.
Genome position (GRCh38, 1-based): chr5:13,919,185, T deleted on the plus strand (A on the coding strand, the reverse complement: DNAH5 is on the minus strand); the first of 3 consecutive T bases (chr5:13,919,185-13,919,187); deleting any one gives the same sequence. VCF-style (leftmost placement, unchanged base first): chr5-13919184-GT-G. GRCh37 (hg19) VCF-style: chr5-13919293-GT-G.
Other names: short protein forms K322fs.
Identifiers: ClinVar variation 5012347 (VCV005012347.1).

ClinVar aggregate classification (germline): Pathogenic (1 of 4 stars; one submission).

Conditions:
Primary ciliary dyskinesia 3. Identifiers: Orphanet 244, MedGen C1837618, MONDO:0012085, OMIM 608644.

Submission:

Myriad Genetics, Inc.
Classification: Pathogenic for Primary ciliary dyskinesia 3. Last evaluated: 2023-10-01. Review status: criteria provided, single submitter. Criteria: Myriad Autosomal Dominant, Autosomal Recessive and X-Linked Classification Criteria (2023). Collection method: clinical testing. Allele origin: unknown.
Comment: NM_001369.2(DNAH5):c.966delA(K322Nfs*3) is expected to be pathogenic in the context of primary ciliary dyskinesia, DNAH5-related. This variant is predicted to lead to an abnormal or absent protein product due to the creation of a premature termination codon in DNAH5, a gene where loss-of-function variants are known to be pathogenic. Please note: this variant was assessed in the context of healthy population screening.